The following is an entry in ClinVar:

NM_006885.4(ZFHX3):c.3355C>T (p.Arg1119Ter)

Gene: ZFHX3 (zinc finger homeobox 3; minus strand). Cytogenetic location: 16q22.3.
Variant type: single nucleotide variant.
Coding change: c.3355C>T on transcript NM_006885.4 (MANE Select); coding-DNA position 3355, C replaced by T.
Protein change: p.Arg1119Ter; replaces arginine 1119 with a stop codon.
Molecular consequence: nonsense.
Genome position (GRCh38, 1-based): chr16:72,889,824, G>A on the plus strand (C>T on the coding strand, the complement: ZFHX3 is on the minus strand). VCF-style: chr16-72889824-G-A. GRCh37 (hg19) VCF-style: chr16-72923723-G-A.
Other names: c.613C>T, p.Arg205Ter (NM_001164766.2); c.3355C>T, p.Arg1119Ter (NM_001386735.1); short protein forms R1119*, R205*.
Identifiers: ClinVar variation 1805305 (VCV001805305.1), dbSNP rs2144074254, ClinGen allele CA396727844.

ClinVar aggregate classification (germline): Likely pathogenic (1 of 4 stars; one submission).

Conditions:
Neurodevelopmental disorder. Identifiers: MedGen C1535926, MeSH D065886, MONDO:0700092.

Submission:

Victorian Clinical Genetics Services, Murdoch Childrens Research Institute
Classification: Likely pathogenic for Neurodevelopmental disorder. Last evaluated: 2020-06-11. Review status: criteria provided, single submitter. Criteria: ACMG Guidelines, 2015. Collection method: clinical testing. Allele origin: germline. Inheritance: Autosomal dominant inheritance. Affected: yes.
Comment: Based on the classification scheme VCGS_Germline_v1.1.1, this variant is classified as Likely Pathogenic. Following criteria are met: 0105 - The mechanism of disease for this gene is not clearly established. (N) 0107 - This gene is known to be associated with autosomal dominant disease (PMID 30559488). (N) 0201 - Variant is predicted to cause nonsense-mediated decay (NMD) and loss of protein (exon 4 of 10). (P) 0251 - Variant is heterozygous. (N) 0301 - Variant is absent from gnomAD. (P) 0704 - Comparable variant has low previous evidence for pathogenicity (ClinVar). Other variants predicted to cause NMD have been reported as pathogenic (unpublished evidence obtained by personal communication). (P) 0807 - Variant has not previously been reported in a clinical context. (N) 0905 - No segregation evidence has been identified for this variant. (N) 1007 - No published functional evidence has been identified for this variant. (P) Legend: (P) - Pathogenic, (N) - Neutral, (B) - Benign

Literature cited by the submitters: PubMed 30559488.